The following is an entry in ClinVar:

ClinVar aggregate classification (germline): Conflicting classifications of pathogenicity. Review status: criteria provided, conflicting classifications (1 of 4 stars). 2 submissions from 2 submitters: Uncertain significance (1); Likely benign (1). Last evaluated 2025-09-24.

Conditions:
Hereditary cancer-predisposing syndrome. Also called: Hereditary Cancer Syndrome; Neoplastic Syndromes, Hereditary; Tumor predisposition; Hereditary neoplastic syndrome. Identifiers: Orphanet 140162, MedGen C0027672, MeSH D009386, MONDO:0015356.
Fanconi anemia complementation group O. Also called: RAD51C-Related Fanconi Anemia. Identifiers: Orphanet 84, MedGen C3150653, MONDO:0013248, OMIM 613390.

Allele frequency attached by ClinVar (database versions not stated): gnomAD below 0.00001 and 0.00001; ExAC 0.00002; gnomAD exomes 0.00002.
gnomAD v4.1: 14 of 1,611,880 alleles (0.00087%); highest among the groups gnomAD compares: South Asian, 0.012%; no homozygotes.

Submissions (2):

Ambry Genetics
Classification: Likely benign for Hereditary cancer-predisposing syndrome. Last evaluated: 2025-09-24. Review status: criteria provided, single submitter. Criteria: Ambry Variant Classification Scheme 2023. Collection method: clinical testing. Allele origin: germline.

Labcorp Genetics (formerly Invitae), Labcorp
Classification: Uncertain significance for Fanconi anemia complementation group O. Last evaluated: 2024-12-09. Review status: criteria provided, single submitter. Criteria: Invitae Variant Classification Sherloc (09022015). Collection method: clinical testing. Allele origin: germline.
Comment: This sequence change replaces histidine, which is basic and polar, with arginine, which is basic and polar, at codon 233 of the RAD51C protein (p.His233Arg). This variant is present in population databases (rs754895072, gnomAD 0.02%). This variant has not been reported in the literature in individuals affected with RAD51C-related conditions. ClinVar contains an entry for this variant (Variation ID: 230833). Invitae Evidence Modeling of protein sequence and biophysical properties (such as structural, functional, and spatial information, amino acid conservation, physicochemical variation, residue mobility, and thermodynamic stability) indicates that this missense variant is expected to disrupt RAD51C protein function with a positive predictive value of 80%. In summary, the available evidence is currently insufficient to determine the role of this variant in disease. Therefore, it has been classified as a Variant of Uncertain Significance.

NM_058216.3(RAD51C):c.698A>G (p.His233Arg)

Genes: RAD51C (RAD51 paralog C; plus strand), LOC129390903 (MPRA-validated peak2919 silencer; plus strand). Cytogenetic location: 17q22.
Variant type: single nucleotide variant.
Coding change: c.698A>G on transcript NM_058216.3 (MANE Select); coding-DNA position 698, A replaced by G.
Protein change: p.His233Arg; replaces histidine 233 with arginine.
Molecular consequence: missense variant. On other transcripts: non-coding transcript variant (1).
Genome position (GRCh38, 1-based): chr17:58,703,322, A>G. VCF-style: chr17-58703322-A-G. GRCh37 (hg19) VCF-style: chr17-56780683-A-G.
Other names: short protein forms H233R.
Identifiers: ClinVar variation 230833 (VCV000230833.15), dbSNP rs754895072, ClinGen allele CA8677293.